The following is an entry in ClinVar:

ClinVar aggregate classification (germline): Uncertain significance. Review status: criteria provided, multiple submitters, no conflicts (2 of 4 stars). 2 submissions from 2 submitters: Uncertain significance (2). Last evaluated 2023-07-05.

Allele frequency attached by ClinVar (database versions not stated): gnomAD exomes below 0.00001.
gnomAD v4.1: 1 of 1,614,096 alleles (0.000062%); highest among the groups gnomAD compares: Non-Finnish European, 0.000085%; no homozygotes.

Submissions (2):

Labcorp Genetics (formerly Invitae), Labcorp
Classification: Uncertain significance. Last evaluated: 2023-07-05. Review status: criteria provided, single submitter. Criteria: Invitae Variant Classification Sherloc (09022015). Collection method: clinical testing. Allele origin: germline.
Comment: Algorithms developed to predict the effect of sequence changes on RNA splicing suggest that this variant may create or strengthen a splice site. Advanced modeling of protein sequence and biophysical properties (such as structural, functional, and spatial information, amino acid conservation, physicochemical variation, residue mobility, and thermodynamic stability) performed at Invitae indicates that this missense variant is not expected to disrupt COL7A1 protein function. ClinVar contains an entry for this variant (Variation ID: 1686589). This variant has not been reported in the literature in individuals affected with COL7A1-related conditions. This variant is not present in population databases (gnomAD no frequency). This sequence change replaces valine, which is neutral and non-polar, with methionine, which is neutral and non-polar, at codon 2276 of the COL7A1 protein (p.Val2276Met). In summary, the available evidence is currently insufficient to determine the role of this variant in disease. Therefore, it has been classified as a Variant of Uncertain Significance.

Mendelics
Classification: Uncertain significance. Last evaluated: 2022-05-04. Review status: criteria provided, single submitter. Criteria: Mendelics Assertion Criteria 2019. Collection method: clinical testing. Allele origin: germline.

NM_000094.4(COL7A1):c.6826G>A (p.Val2276Met)

Gene: COL7A1 (collagen type VII alpha 1 chain; minus strand). Cytogenetic location: 3p21.31.
Variant type: single nucleotide variant.
Coding change: c.6826G>A on transcript NM_000094.4 (MANE Select); coding-DNA position 6826, G replaced by A.
Protein change: p.Val2276Met; replaces valine 2276 with methionine.
Molecular consequence: missense variant.
Genome position (GRCh38, 1-based): chr3:48,572,867, C>T on the plus strand (G>A on the coding strand, the complement: COL7A1 is on the minus strand). VCF-style: chr3-48572867-C-T. GRCh37 (hg19) VCF-style: chr3-48610300-C-T.
Other names: short protein forms V2276M.
Identifiers: ClinVar variation 1686589 (VCV001686589.4), dbSNP rs2107659437, ClinGen allele CA352654573.